The following is an entry in ClinVar:

ClinVar aggregate classification (germline): Uncertain significance. Review status: reviewed by expert panel (3 of 4 stars). 2 submissions from 2 submitters: Uncertain significance (1). 1 of the submissions does not count toward it. Last evaluated 2024-09-25.

Conditions:
Hereditary thrombocytopenia and hematological cancer predisposition syndrome associated with RUNX1. Also called: PLATELET DISORDER, ASPIRIN-LIKE; Familial Platelet Disorder with Propensity to Acute Myelogenous Leukemia; Familial thrombocytopenia with propensity to acute myelogenous leukemia; RUNX1 Familial Platelet Disorder with Associated Myeloid Malignancies. Identifiers: Orphanet 71290, MedGen C1832388, MeSH C563324, MONDO:0100083, OMIM 601399.
Hereditary thrombocytopenia and hematologic cancer predisposition syndrome. Identifiers: Orphanet 71290, MedGen CN281654, MONDO:0011071.

Submissions (2):

ClinGen Myeloid Malignancy Variant Curation Expert Panel
Classification: Uncertain significance for Hereditary thrombocytopenia and hematologic cancer predisposition syndrome. Last evaluated: 2024-09-25. Review status: reviewed by expert panel. Criteria: ClinGen MyeloMalig ACMG Specifications v2. Collection method: curation. Allele origin: germline. Inheritance: Autosomal dominant inheritance.
Comment: NM_001754.5(RUNX1):c.373C>T (p.Pro125Ser) is a missense variant which affects a residue within the Runt Homology domain (AA 89-204) but does not affect an established hotspot residue (PM1_Supporting). This variant is completely absent from all population databases with at least 20x coverage for RUNX1 (PM2_Supporting). In summary, the clinical significance of this variant is uncertain. ACMG/AMP criteria applied, as specified by the Myeloid Malignancy Variant Curation Expert Panel for RUNX1: PM1_Supporting, PM2_Supporting.

Labcorp Genetics (formerly Invitae), Labcorp
Classification: Uncertain significance for Hereditary thrombocytopenia and hematological cancer predisposition syndrome associated with RUNX1. Last evaluated: 2022-10-24. Review status: criteria provided, single submitter. Criteria: Invitae Variant Classification Sherloc (09022015). Collection method: clinical testing. Allele origin: germline. Not counted in ClinVar's aggregate classification.
Comment: In summary, the available evidence is currently insufficient to determine the role of this variant in disease. Therefore, it has been classified as a Variant of Uncertain Significance. Advanced modeling of protein sequence and biophysical properties (such as structural, functional, and spatial information, amino acid conservation, physicochemical variation, residue mobility, and thermodynamic stability) performed at Invitae indicates that this missense variant is not expected to disrupt RUNX1 protein function. ClinVar contains an entry for this variant (Variation ID: 1042743). This variant has not been reported in the literature in individuals affected with RUNX1-related conditions. This variant is not present in population databases (gnomAD no frequency). This sequence change replaces proline, which is neutral and non-polar, with serine, which is neutral and polar, at codon 125 of the RUNX1 protein (p.Pro125Ser).

NM_001754.5(RUNX1):c.373C>T (p.Pro125Ser)

Genes: RUNX1 (RUNX family transcription factor 1; minus strand), RUNX1-AS1 (RUNX1 antisense RNA 1; plus strand). Cytogenetic location: 21q22.12.
Variant type: single nucleotide variant.
Coding change: c.373C>T on transcript NM_001754.5 (MANE Select); coding-DNA position 373, C replaced by T.
Protein change: p.Pro125Ser; replaces proline 125 with serine.
Molecular consequence: missense variant.
Genome position (GRCh38, 1-based): chr21:34,880,692, G>A on the plus strand (C>T on the coding strand, the complement: RUNX1 is on the minus strand). VCF-style: chr21-34880692-G-A. GRCh37 (hg19) VCF-style: chr21-36252989-G-A.
Other names: NM_001754.5(RUNX1):c.373C>T; p.Pro125Ser; c.292C>T, p.Pro98Ser (NM_001001890.3, NM_001122607.2); short protein forms P98S, P125S.
Identifiers: ClinVar variation 1042743 (VCV001042743.12), dbSNP rs2057889508, ClinGen allele CA410202750.